The following is an entry in ClinVar:

NM_024408.4(NOTCH2):c.1690G>A (p.Gly564Ser)

Gene: NOTCH2 (notch receptor 2; minus strand). Cytogenetic location: 1p12.
Variant type: single nucleotide variant.
Coding change: c.1690G>A on transcript NM_024408.4 (MANE Select); coding-DNA position 1690, G replaced by A.
Protein change: p.Gly564Ser; replaces glycine 564 with serine.
Molecular consequence: missense variant.
Genome position (GRCh38, 1-based): chr1:119,963,799, C>T on the plus strand (G>A on the coding strand, the complement: NOTCH2 is on the minus strand). VCF-style: chr1-119963799-C-T. GRCh37 (hg19) VCF-style: chr1-120506422-C-T.
Other names: c.1690G>A, p.Gly564Ser (NM_001200001.2); short protein forms G564S.
Identifiers: ClinVar variation 4818887 (VCV004818887.1).

ClinVar aggregate classification (germline): Uncertain significance (1 of 4 stars; one submission).

Conditions:
Alagille syndrome due to a NOTCH2 point mutation. Also called: Alagille syndrome 2. Identifiers: Orphanet 261629, Orphanet 52, MedGen C1857761, MONDO:0012439, OMIM 610205.

Submission:

MVZ Medizinische Genetik Mainz
Classification: Uncertain significance for Alagille syndrome due to a NOTCH2 point mutation. Last evaluated: 2026-02-17. Review status: criteria provided, single submitter. Criteria: UK Practice Guidelines For Variant Classification V4 01 2020. Collection method: clinical testing. Allele origin: germline. Inheritance: Autosomal dominant inheritance. Affected: yes. Observed: 1 variant allele.
Comment: ACMG Criteria: PP3_MOD,PM2_SUP,PP2